The following is an entry in ClinVar:

NM_005148.4(UNC119):c.65G>T (p.Gly22Val)

Genes: UNC119 (unc-119 lipid binding chaperone; minus strand), LOC130060555 (ATAC-STARR-seq lymphoblastoid silent region 8343; plus strand). Cytogenetic location: 17q11.2.
Variant type: single nucleotide variant.
Coding change: c.65G>T on transcript NM_005148.4 (MANE Select); coding-DNA position 65, G replaced by T.
Protein change: p.Gly22Val; replaces glycine 22 with valine.
Molecular consequence: missense variant. On other transcripts: 5 prime UTR variant (1).
Genome position (GRCh38, 1-based): chr17:28,552,493, C>A on the plus strand (G>T on the coding strand, the complement: UNC119 is on the minus strand). VCF-style: chr17-28552493-C-A. GRCh37 (hg19) VCF-style: chr17-26879511-C-A.
Other names: c.-249G>T (NM_001330166.2); c.65G>T, p.Gly22Val (NM_054035.2); short protein forms G22V.
Identifiers: ClinVar variation 88737 (VCV000088737.21), dbSNP rs199714731, ClinGen allele CA145322.

ClinVar aggregate classification (germline): Benign/Likely benign. Review status: criteria provided, multiple submitters, no conflicts (2 of 4 stars). 6 submissions from 6 submitters: Benign (3); Likely benign (2). 1 of the submissions does not count toward it. Last evaluated 2026-01-28.

Conditions:
Idiopathic CD4 lymphocytopenia. Also called: IDIOPATHIC CD4 LYMPHOPENIA; Immunodeficiency 13. Identifiers: Orphanet 228000, MedGen C3809768, MONDO:0014226, OMIM 615518.
Cone-rod dystrophy. Also called: Cone-rod degeneration; Cone/cone-rod dystrophy. Identifiers: Orphanet 1872, MedGen C4085590, MONDO:0015993, HP:0000548.

Allele frequency attached by ClinVar (database versions not stated): gnomAD exomes 0.00059 and 0.00160; gnomAD 0.00691 and 0.00643; ESP Exome Variant Server 0.00452; ExAC 0.00338; 1000 Genomes Project 0.00659; 1000 Genomes Project 30x 0.00703; TOPMed 0.00722.
gnomAD v4.1: 1,848 of 1,570,244 alleles (0.12%); highest among the groups gnomAD compares: African/African-American, 2.1%; 17 homozygotes.

Submissions (6):

Labcorp Genetics (formerly Invitae), Labcorp
Classification: Benign. Last evaluated: 2026-01-28. Review status: criteria provided, single submitter. Criteria: Invitae Variant Classification Sherloc (09022015). Collection method: clinical testing. Allele origin: germline.

Mendelics
Classification: Benign for Idiopathic CD4 lymphocytopenia. Last evaluated: 2019-05-28. Review status: criteria provided, single submitter. Criteria: Mendelics Assertion Criteria 2017. Collection method: clinical testing. Allele origin: unknown.

Illumina Laboratory Services, Illumina
Classification: Likely benign for Cone-rod dystrophy. Last evaluated: 2017-04-27. Review status: criteria provided, single submitter. Criteria: ICSL Variant Classification Criteria 13 December 2019. Collection method: clinical testing. Allele origin: germline.
Comment: This variant was observed as part of a predisposition screen in an ostensibly healthy population. A literature search was performed for the gene, cDNA change, and amino acid change (where applicable). No publications were found based on this search. Allele frequency data from public databases allowed determination this variant is unlikely to cause disease. Therefore, this variant is classified as likely benign.

Eurofins Ntd Llc (ga)
Classification: Benign. Last evaluated: 2015-07-28. Review status: criteria provided, single submitter. Criteria: EGL Classification Definitions 2015. Collection method: clinical testing. Allele origin: germline. Observed: 2 variant alleles, 1 heterozygote.

PreventionGenetics, part of Exact Sciences
Classification: Likely benign. Review status: criteria provided, single submitter. Criteria: ACMG Guidelines, 2015. Collection method: clinical testing. Allele origin: germline.

OMIM
Classification: Pathogenic for IMMUNODEFICIENCY 13 (1 patient). Last evaluated: 2012-02-09. Review status: no assertion criteria provided. Collection method: literature only. Allele origin: germline. Not counted in ClinVar's aggregate classification.

Literature cited by the submitters: PubMed 22184408 (cited by OMIM).